The following is an entry in ClinVar:

ClinVar aggregate classification (germline): Pathogenic/Likely pathogenic. Review status: criteria provided, multiple submitters, no conflicts (2 of 4 stars). 5 submissions from 5 submitters: Pathogenic (4); Likely pathogenic (1). Last evaluated 2026-08-31.

Conditions:
Complex neurodevelopmental disorder. Identifiers: Orphanet 528084, MedGen C5568766, MONDO:0100038.
DYRK1A-related intellectual disability syndrome (MRD7). Also called: DYRK1A Syndrome; Intellectual developmental disorder, autosomal dominant 7. Identifiers: Orphanet 464306, MedGen C5568143, MONDO:0013578, OMIM 614104.

Submissions (5):

GeneDx
Classification: Pathogenic. Last evaluated: 2026-08-31. Review status: criteria provided, single submitter. Criteria: GeneDx Variant Classification Process June 2021. Collection method: clinical testing. Allele origin: germline.
Comment: Apparently de novo variant in a patient with autism spectrum disorder in the published literature (PMID: 31526516); Frameshift variant predicted to result in protein truncation or nonsense mediated decay in a gene for which loss of function is a known mechanism of disease; Not observed at significant frequency in large population cohorts (gnomAD); This variant is associated with the following publications: (PMID: 33057194, 35982159, 32860008, 33562844, 35285131, 25944381, 35887114, 31526516)

CeGaT Center for Human Genetics Tuebingen
Classification: Pathogenic. Last evaluated: 2024-05-01. Review status: criteria provided, single submitter. Criteria: CeGaT Center For Human Genetics Tuebingen Variant Classification Criteria Version 2. Collection method: clinical testing. Allele origin: germline. Affected: yes. Observed: 1 variant allele.
Comment: DYRK1A: PVS1, PM2, PM6, PS4:Moderate

3billion
Classification: Pathogenic for DYRK1A-related intellectual disability syndrome. Last evaluated: 2023-06-07. Review status: criteria provided, single submitter. Criteria: ACMG Guidelines, 2015. Collection method: clinical testing. Allele origin: germline. Affected: yes.
Comment: The variant is not observed in the gnomAD v2.1.1 dataset. Predicted Consequence/Location: Frameshift: predicted to result in a loss or disruption of normal protein function through nonsense-mediated decay (NMD) or protein truncation. Multiple pathogenic variants are reported downstream of the variant. The variant has been reported at least twice as pathogenic with clinical assertions and evidence for the classification (ClinVar ID: VCV000423335). Therefore, this variant is classified as Pathogenic according to the recommendation of ACMG/AMP guideline.

Labcorp Genetics (formerly Invitae), Labcorp
Classification: Pathogenic for DYRK1A-related intellectual disability syndrome. Last evaluated: 2021-10-24. Review status: criteria provided, single submitter. Criteria: Invitae Variant Classification Sherloc (09022015). Collection method: clinical testing. Allele origin: germline.
Comment: This sequence change creates a premature translational stop signal (p.Lys191Thrfs*6) in the DYRK1A gene. It is expected to result in an absent or disrupted protein product. Loss-of-function variants in DYRK1A are known to be pathogenic (PMID: 25944381). For these reasons, this variant has been classified as Pathogenic. ClinVar contains an entry for this variant (Variation ID: 423335). This premature translational stop signal has been observed in individual(s) with clinical features of DYRK1A-related conditions (PMID: 32860008). This variant is not present in population databases (gnomAD no frequency).

CENTOGENE GmbH and LLC - Guiding Precision Medicine
Classification: Likely pathogenic for DYRK1A-related intellectual disability syndrome. Review status: criteria provided, single submitter. Criteria: ACMG Guidelines, 2015. Collection method: clinical testing. Allele origin: de novo. Affected: yes.

Literature cited by the submitters: PubMed 25944381 (cited by Labcorp Genetics (formerly Invitae), Labcorp); PubMed 32860008 (cited by Labcorp Genetics (formerly Invitae), Labcorp and CENTOGENE GmbH and LLC - Guiding Precision Medicine).

NM_001347721.2(DYRK1A):c.545_548del (p.Lys182fs)

Gene: DYRK1A (dual specificity tyrosine phosphorylation regulated kinase 1A; plus strand). Cytogenetic location: 21q22.13.
Variant type: Deletion.
Coding change: c.545_548del on transcript NM_001347721.2 (MANE Select); coding-DNA positions 545 to 548, 4 bases deleted (AGAA; older notation c.545_548delAGAA).
Protein change: p.Lys182fs; shifts the reading frame from lysine 182.
Molecular consequence: frameshift variant.
Genome position (GRCh38, 1-based): chr21:37,486,522-37,486,525, AGAA deleted; deleting any 4 consecutive bases within chr21:37,486,520-37,486,525 gives the same sequence; the c. name uses the placement nearest the transcript's 3' end. VCF-style (leftmost placement, unchanged base first): chr21-37486519-TAAAG-T. GRCh37 (hg19) VCF-style: chr21-38858821-TAAAG-T.
Other names: c.545_548del, p.Lys182fs (NM_001347722.2, NM_130436.2); c.458_461del, p.Lys153fs (NM_001347723.2); c.572_575del, p.Lys191fs (NM_001396.5, NM_101395.2, NM_130438.2); c.572_575del (NM_001396.3); short protein forms K153fs, K191fs, K182fs.
Identifiers: ClinVar variation 423335 (VCV000423335.32), dbSNP rs1064796367, ClinGen allele CA16620999.